The following is an entry in ClinVar:

NM_001184880.2(PCDH19):c.1681C>G (p.Pro561Ala)

Gene: PCDH19 (protocadherin 19; minus strand). Cytogenetic location: Xq22.1.
Variant type: single nucleotide variant.
Coding change: c.1681C>G on transcript NM_001184880.2 (MANE Select); coding-DNA position 1681, C replaced by G.
Protein change: p.Pro561Ala; replaces proline 561 with alanine.
Molecular consequence: missense variant.
Genome position (GRCh38, 1-based): chrX:100,406,917, G>C on the plus strand (C>G on the coding strand, the complement: PCDH19 is on the minus strand). VCF-style: chrX-100406917-G-C. GRCh37 (hg19) VCF-style: chrX-99661915-G-C.
Other names: c.1681C>G, p.Pro561Ala (NM_001105243.2, NM_020766.3); short protein forms P561A.
Identifiers: ClinVar variation 624433 (VCV000624433.50), dbSNP rs1569314471, ClinGen allele CA414002196.

ClinVar aggregate classification (germline): Pathogenic/Likely pathogenic. Review status: criteria provided, multiple submitters, no conflicts (2 of 4 stars). 2 submissions from 2 submitters: Pathogenic (1); Likely pathogenic (1). Last evaluated 2023-10-23.

Conditions:
Developmental and epileptic encephalopathy, 9 (DEE9). Also called: PCDH19-Related X-Linked Female-Limited Epilepsy with Mental Retardation; Early infantile epileptic encephalopathy 9; EPILEPSY, FEMALE-RESTRICTED, WITH MENTAL RETARDATION; JUBERG-HELLMAN SYNDROME. Identifiers: Orphanet 101039, Orphanet 2076, MedGen C1848137, MONDO:0010246, OMIM 300088. Disease mechanism: loss of function.

Submissions (2):

Labcorp Genetics (formerly Invitae), Labcorp
Classification: Pathogenic for Developmental and epileptic encephalopathy, 9. Last evaluated: 2023-10-23. Review status: criteria provided, single submitter. Criteria: Invitae Variant Classification Sherloc (09022015). Collection method: clinical testing. Allele origin: germline.
Comment: This sequence change replaces proline, which is neutral and non-polar, with alanine, which is neutral and non-polar, at codon 561 of the PCDH19 protein (p.Pro561Ala). This variant is not present in population databases (gnomAD no frequency). This missense change has been observed in individual(s) with PACS2-related conditions (Invitae). In at least one individual the variant was observed to be de novo. ClinVar contains an entry for this variant (Variation ID: 624433). Advanced modeling of protein sequence and biophysical properties (such as structural, functional, and spatial information, amino acid conservation, physicochemical variation, residue mobility, and thermodynamic stability) performed at Invitae indicates that this missense variant is expected to disrupt PCDH19 protein function with a positive predictive value of 95%. This variant disrupts the p.Pro561 amino acid residue in PCDH19. Other variant(s) that disrupt this residue have been determined to be pathogenic (PMID: 30287595). This suggests that this residue is clinically significant, and that variants that disrupt this residue are likely to be disease-causing. For these reasons, this variant has been classified as Pathogenic.

CeGaT Center for Human Genetics Tuebingen
Classification: Likely pathogenic. Last evaluated: 2018-07-01. Review status: criteria provided, single submitter. Criteria: CeGaT Center For Human Genetics Tuebingen Variant Classification Criteria Version 2. Collection method: clinical testing. Allele origin: germline. Affected: yes. Observed: 1 variant allele.

Literature cited by the submitters: PubMed 30287595 (cited by Labcorp Genetics (formerly Invitae), Labcorp).